The following is an entry in ClinVar:

NM_002076.4(GNS):c.1231G>C (p.Asp411His)

Gene: GNS (glucosamine (N-acetyl)-6-sulfatase; minus strand). Cytogenetic location: 12q14.3.
Variant type: single nucleotide variant.
Coding change: c.1231G>C on transcript NM_002076.4 (MANE Select); coding-DNA position 1231, G replaced by C.
Protein change: p.Asp411His; replaces aspartic acid 411 with histidine.
Molecular consequence: missense variant.
Genome position (GRCh38, 1-based): chr12:64,723,083, C>G on the plus strand (G>C on the coding strand, the complement: GNS is on the minus strand). VCF-style: chr12-64723083-C-G. GRCh37 (hg19) VCF-style: chr12-65116863-C-G.
Other names: short protein forms D411H.
Identifiers: ClinVar variation 1984438 (VCV001984438.4), dbSNP rs2539505242, ClinGen allele CA385603291.

ClinVar aggregate classification (germline): Uncertain significance (1 of 4 stars; one submission).

Conditions:
Mucopolysaccharidosis, MPS-III-D (MPS3D). Also called: N-ACETYLGLUCOSAMINE-6-SULFATASE DEFICIENCY; SANFILIPPO SYNDROME D; MPS III D; Mucopoly-saccharidosis type 3D; N-acetylglucosamine-6-sulfate sulfatase deficiency; MPS 3D. Identifiers: Orphanet 581, Orphanet 79272, MedGen C0086650, MONDO:0009658, OMIM 252940.

Submission:

Labcorp Genetics (formerly Invitae), Labcorp
Classification: Uncertain significance for Mucopolysaccharidosis, MPS-III-D. Last evaluated: 2022-03-12. Review status: criteria provided, single submitter. Criteria: Invitae Variant Classification Sherloc (09022015). Collection method: clinical testing. Allele origin: germline.
Comment: This variant is not present in population databases (gnomAD no frequency). In summary, the available evidence is currently insufficient to determine the role of this variant in disease. Therefore, it has been classified as a Variant of Uncertain Significance. Algorithms developed to predict the effect of missense changes on protein structure and function are either unavailable or do not agree on the potential impact of this missense change (SIFT: "Deleterious"; PolyPhen-2: "Possibly Damaging"; Align-GVGD: "Class C15"). This variant has not been reported in the literature in individuals affected with GNS-related conditions. This sequence change replaces aspartic acid, which is acidic and polar, with histidine, which is basic and polar, at codon 411 of the GNS protein (p.Asp411His).